The following is an entry in ClinVar:

NM_001375380.1(EBF3):c.188G>A (p.Arg63Gln)

Gene: EBF3 (EBF transcription factor 3; minus strand). Cytogenetic location: 10q26.3.
Variant type: single nucleotide variant.
Coding change: c.188G>A on transcript NM_001375380.1 (MANE Select); coding-DNA position 188, G replaced by A.
Protein change: p.Arg63Gln; replaces arginine 63 with glutamine.
Molecular consequence: missense variant.
Genome position (GRCh38, 1-based): chr10:129,963,470, C>T on the plus strand (G>A on the coding strand, the complement: EBF3 is on the minus strand). VCF-style: chr10-129963470-C-T. GRCh37 (hg19) VCF-style: chr10-131761734-C-T.
Other names: c.188G>A, p.Arg63Gln (NM_001005463.3, NM_001375379.1, NM_001375389.1 and 3 more transcripts); c.188G>A (NM_001005463.2); short protein forms R63Q.
Identifiers: ClinVar variation 1685311 (VCV001685311.4), dbSNP rs2134659487, ClinGen allele CA378911330.

ClinVar aggregate classification (germline): Pathogenic/Likely pathogenic. Review status: criteria provided, multiple submitters, no conflicts (2 of 4 stars). 3 submissions from 3 submitters: Pathogenic (1); Likely pathogenic (1). 1 of the submissions does not count toward it. Last evaluated 2024-08-30.

Conditions:
Hypotonia, ataxia, and delayed development syndrome (HADDS). Also called: EBF3 Neurodevelopmental Disorder. Identifiers: Orphanet 658843, MedGen C4310618, MONDO:0015021, OMIM 617330.

Allele frequency attached by ClinVar (database versions not stated): gnomAD exomes below 0.00001.
gnomAD v4.1: 1 of 1,587,098 alleles (0.000063%); highest among the groups gnomAD compares: Non-Finnish European, 0.000086%; no homozygotes.

Submissions (3):

GeneDx
Classification: Pathogenic. Last evaluated: 2024-08-30. Review status: criteria provided, single submitter. Criteria: GeneDx Variant Classification Process June 2021. Collection method: clinical testing. Allele origin: germline. Affected: yes.
Comment: Not observed at significant frequency in large population cohorts (gnomAD); In silico analysis supports that this missense variant has a deleterious effect on protein structure/function; This variant is associated with the following publications: (PMID: 35982159, 36937983, 33057194)

Mendelics
Classification: Likely pathogenic for Hypotonia, ataxia, and delayed development syndrome. Last evaluated: 2022-05-04. Review status: criteria provided, single submitter. Criteria: Mendelics Assertion Criteria 2019. Collection method: clinical testing. Allele origin: germline.

Center for Molecular Medicine, Children’s Hospital of Fudan University
Classification: Likely pathogenic for Hypotonia, ataxia, and delayed development syndrome. Last evaluated: 2022-08-11. Review status: no assertion criteria provided. Collection method: clinical testing. Allele origin: de novo. Affected: yes. Not counted in ClinVar's aggregate classification.